The following is an entry in ClinVar:

ClinVar aggregate classification (germline): Uncertain significance. Review status: criteria provided, multiple submitters, no conflicts (2 of 4 stars). 2 submissions from 2 submitters: Uncertain significance (2). Last evaluated 2025-10-01.

Conditions:
Bethlem myopathy 1A. Also called: MYOPATHY, BENIGN CONGENITAL, WITH CONTRACTURES; Bethlem myopathy 1; Bethlem Muscular Dystrophy. Identifiers: Orphanet 610, MedGen CN029274, MONDO:0024530, OMIM 158810.

Allele frequency attached by ClinVar (database versions not stated): ExAC 0.00001.

Submissions (2):

CeGaT Center for Human Genetics Tuebingen
Classification: Uncertain significance. Last evaluated: 2025-10-01. Review status: criteria provided, single submitter. Criteria: CeGaT Center For Human Genetics Tuebingen Variant Classification Criteria Version 2. Collection method: clinical testing. Allele origin: germline. Affected: yes. Observed: 1 variant allele.
Comment: COL6A3: PM2

Labcorp Genetics (formerly Invitae), Labcorp
Classification: Uncertain significance for Bethlem myopathy 1A. Last evaluated: 2023-01-24. Review status: criteria provided, single submitter. Criteria: Invitae Variant Classification Sherloc (09022015). Collection method: clinical testing. Allele origin: germline.
Comment: In summary, the available evidence is currently insufficient to determine the role of this variant in disease. Therefore, it has been classified as a Variant of Uncertain Significance. Advanced modeling of protein sequence and biophysical properties (such as structural, functional, and spatial information, amino acid conservation, physicochemical variation, residue mobility, and thermodynamic stability) performed at Invitae indicates that this missense variant is expected to disrupt COL6A3 protein function. This variant has not been reported in the literature in individuals affected with COL6A3-related conditions. This variant is not present in population databases (gnomAD no frequency). This sequence change replaces leucine, which is neutral and non-polar, with proline, which is neutral and non-polar, at codon 1693 of the COL6A3 protein (p.Leu1693Pro).

NM_004369.4(COL6A3):c.5078T>C (p.Leu1693Pro)

Gene: COL6A3 (collagen type VI alpha 3 chain; minus strand). Cytogenetic location: 2q37.3.
Variant type: single nucleotide variant.
Coding change: c.5078T>C on transcript NM_004369.4 (MANE Select); coding-DNA position 5078, T replaced by C.
Protein change: p.Leu1693Pro; replaces leucine 1693 with proline.
Molecular consequence: missense variant.
Genome position (GRCh38, 1-based): chr2:237,367,109, A>G on the plus strand (T>C on the coding strand, the complement: COL6A3 is on the minus strand). VCF-style: chr2-237367109-A-G. GRCh37 (hg19) VCF-style: chr2-238275752-A-G.
Other names: c.3257T>C, p.Leu1086Pro (NM_057166.5); c.4460T>C, p.Leu1487Pro (NM_057167.4); short protein forms L1487P, L1086P, L1693P.
Identifiers: ClinVar variation 3000492 (VCV003000492.9), dbSNP rs761764174, ClinGen allele CA2188748.